The following is an entry in ClinVar:

ClinVar aggregate classification (germline): Uncertain significance (1 of 4 stars; one submission).

Submission:

Labcorp Genetics (formerly Invitae), Labcorp
Classification: Uncertain significance. Last evaluated: 2024-04-25. Review status: criteria provided, single submitter. Criteria: Invitae Variant Classification Sherloc (09022015). Collection method: clinical testing. Allele origin: germline.
Comment: This sequence change replaces aspartic acid, which is acidic and polar, with valine, which is neutral and non-polar, at codon 1778 of the DCHS1 protein (p.Asp1778Val). This variant is not present in population databases (gnomAD no frequency). This variant has not been reported in the literature in individuals affected with DCHS1-related conditions. Advanced modeling of protein sequence and biophysical properties (such as structural, functional, and spatial information, amino acid conservation, physicochemical variation, residue mobility, and thermodynamic stability) has been performed at Invitae for this missense variant, however the output from this modeling did not meet the statistical confidence thresholds required to predict the impact of this variant on DCHS1 protein function. In summary, the available evidence is currently insufficient to determine the role of this variant in disease. Therefore, it has been classified as a Variant of Uncertain Significance.

NM_003737.4(DCHS1):c.5333A>T (p.Asp1778Val)

Gene: DCHS1 (dachsous cadherin-related 1; minus strand). Cytogenetic location: 11p15.4.
Variant type: single nucleotide variant.
Coding change: c.5333A>T on transcript NM_003737.4 (MANE Select); coding-DNA position 5333, A replaced by T.
Protein change: p.Asp1778Val; replaces aspartic acid 1778 with valine.
Molecular consequence: missense variant.
Genome position (GRCh38, 1-based): chr11:6,628,659, T>A on the plus strand (A>T on the coding strand, the complement: DCHS1 is on the minus strand). VCF-style: chr11-6628659-T-A. GRCh37 (hg19) VCF-style: chr11-6649890-T-A.
Other names: short protein forms D1778V.
Identifiers: ClinVar variation 3650978 (VCV003650978.2).